The following is an entry in ClinVar:

NM_001009944.3(PKD1):c.10240G>A (p.Gly3414Ser)

Gene: PKD1 (polycystin 1, transient receptor potential channel interacting; minus strand). Cytogenetic location: 16p13.3.
Variant type: single nucleotide variant.
Coding change: c.10240G>A on transcript NM_001009944.3 (MANE Select); coding-DNA position 10240, G replaced by A.
Protein change: p.Gly3414Ser; replaces glycine 3414 with serine.
Molecular consequence: missense variant.
Genome position (GRCh38, 1-based): chr16:2,097,484, C>T on the plus strand (G>A on the coding strand, the complement: PKD1 is on the minus strand). VCF-style: chr16-2097484-C-T. GRCh37 (hg19) VCF-style: chr16-2147485-C-T.
Other names: c.10237G>A, p.Gly3413Ser (NM_000296.4); c.10237G>A (NM_000296.3); short protein forms G3414S, G3413S.
Identifiers: ClinVar variation 433999 (VCV000433999.12), dbSNP rs371762181, ClinGen allele CA7829687.

ClinVar aggregate classification (germline): Conflicting classifications of pathogenicity. Review status: criteria provided, conflicting classifications (1 of 4 stars). 5 submissions from 5 submitters: Uncertain significance (1); Likely benign (3). 1 of the submissions does not count toward it. Last evaluated 2026-06-30.

Conditions:
PKD1-related disorder. Also called: PKD1-related condition.
Inborn genetic diseases. Identifiers: MedGen C0950123, MeSH D030342.
Polycystic kidney disease. Also called: Kidney, Polycystic; Polycystic kidney dysplasia. Identifiers: HP:0000113, MedGen C0022680, MeSH D007690, MONDO:0020642.

Allele frequency attached by ClinVar (database versions not stated): 1000 Genomes Project 30x 0.00016; 1000 Genomes Project 0.00020; ESP Exome Variant Server 0.00031; ExAC 0.00038; gnomAD exomes 0.00039 and 0.00072; gnomAD 0.00040; TOPMed 0.00045.
gnomAD v4.1: 1,095 of 1,602,250 alleles (0.068%); highest among the groups gnomAD compares: Non-Finnish European, 0.086%; 1 homozygote.

Submissions (5):

Women's Health and Genetics/Laboratory Corporation of America, LabCorp
Classification: Uncertain significance. Last evaluated: 2026-06-30. Review status: criteria provided, single submitter. Criteria: LabCorp Variant Classification Summary - May 2015. Collection method: clinical testing. Allele origin: germline.
Comment: Variant summary: PKD1 c.10240G>A (p.Gly3414Ser) results in a non-conservative amino acid change in the encoded protein sequence. Algorithms developed to predict the effect of missense changes on protein structure and function are either unavailable or do not agree on the potential impact of this missense change. The variant allele was found at a frequency of 0.00039 in 238586 control chromosomes, predominantly at a frequency of 0.00073 within the Non-Finnish European subpopulation in the gnomAD database. This frequency is not significantly higher than estimated for disease-causing variants in PKD1, allowing no conclusion about variant significance. To our knowledge, no occurrence of c.10240G>A in individuals affected with PKD1-related conditions and no experimental evidence demonstrating its impact on protein function have been reported. ClinVar contains an entry for this variant (Variation ID: 433999). Based on the evidence outlined above, the variant was classified as uncertain significance.

PreventionGenetics, part of Exact Sciences
Classification: Likely benign for PKD1-related condition. Last evaluated: 2024-12-18. Review status: criteria provided, single submitter. Criteria: ACMG Guidelines, 2015. Collection method: clinical testing. Allele origin: germline.
Comment: This variant is classified as likely benign based on ACMG/AMP sequence variant interpretation guidelines (Richards et al. 2015 PMID: 25741868, with internal and published modifications).

Blueprint Genetics
Classification: Likely benign. Last evaluated: 2024-10-25. Review status: criteria provided, single submitter. Criteria: ACMG Guidelines, 2015. Collection method: clinical testing. Allele origin: germline.

Ambry Genetics
Classification: Likely benign for Inborn genetic diseases. Last evaluated: 2022-02-10. Review status: criteria provided, single submitter. Criteria: Ambry Variant Classification Scheme 2023. Collection method: clinical testing. Allele origin: germline.

Department of Pathology and Laboratory Medicine, Sinai Health System
Classification: Likely benign for Polycystic Kidney disease. Review status: no assertion criteria provided. Collection method: clinical testing. Allele origin: unknown. Affected: yes. Study: The Canadian Open Genetics Repository (COGR). Not counted in ClinVar's aggregate classification.
Comment: The PKD1, p.Gly3414Ser variant was identified in 1 of 478 proband chromosomes (frequency: 0.002) from individuals or families with ADPKD, and was not identified in 58 control chromosomes from healthy individuals. The Grantham Matrix Score was used to score the significance of the substitution and the conservation of the residue in orthologs and the variant was defined as novel and likely polymorphic (Rossetti 2007); however, an insufficient number of controls were included in these studies to determine the frequency of this variant in the general population. The variant was also identified in dbSNP (ID: rs371762181) as â€šÃ„ÃºNAâ€šÃ„Ã¹, in the 1000 Genomes Project in 1 of 5000 chromosomes (frequency: 0.0002) and in NHLBI GO Exome Sequencing Project in 4 of 8558 European American (frequency: 0.0005). Furthermore, the variant was identified in the Exome Aggregation Consortium database (March 14, 2016) in 43 of 113264 chromosomes (frequency: 0.0004) from a population of 38 in 61472 (0.0006) European Non-Finnish; 4 in 16412 (0.0002) in South Asian; and 1 in 11328 (0.00009) Latino populations. The variant was also listed in the ADPKD Mutation Database (2x as likely neutral) but was not identified in Clinvitae, ClinVar, GeneInsight COGR MutDB, PKD1-LOVD and PKD1-LOVD 3.0 databases. The p.Gly3414 residue is not conserved in mammals and the variant amino acid Serine is present in, Macaque, Rat, Mouse, Dog, Opossum and in Zebra finch increasing the likelihood that this variant does not have clinical significance. Four out of five computational analyses (PolyPhen-2, SIFT, AlignGVGD, BLOSUM, MutationTaster) do not suggest a high likelihood of impact to the protein. The variant occurs outside of the splicing consensus sequence and in silico or computational prediction software programs (SpliceSiteFinder, MaxEntScan, NNSPLICE, GeneSplicer, HumanSpliceFinder) do not predict the abolishment of the consensus splice site; however, HumanSpliceFinder and MaxEntScan predict an altered 3' splice site in this region and we cannot eliminate the possibility that an exon splice enhancer was modified and may lead to abnormal splicing or creation of a cryptic splice site. In summary, based on the above information, the clinical significance of this variant cannot be determined with certainty at this time although we would lean towards a more benign role for this variant. This variant is classified as likely benign.